The following is an entry in ClinVar:

ClinVar aggregate classification (germline): Uncertain significance. Review status: criteria provided, multiple submitters, no conflicts (2 of 4 stars). 2 submissions from 2 submitters: Uncertain significance (2). Last evaluated 2025-06-26.

Conditions:
Inborn genetic diseases. Identifiers: MedGen C0950123, MeSH D030342.

Allele frequency attached by ClinVar (database versions not stated): ESP Exome Variant Server 0.00008; ExAC 0.00009; gnomAD exomes 0.00011; gnomAD 0.00018; TOPMed 0.00018.

Submissions (2):

Ambry Genetics
Classification: Uncertain significance for Inborn genetic diseases. Last evaluated: 2025-06-26. Review status: criteria provided, single submitter. Criteria: Ambry Variant Classification Scheme 2023. Collection method: clinical testing. Allele origin: germline.

Labcorp Genetics (formerly Invitae), Labcorp
Classification: Uncertain significance. Last evaluated: 2022-08-06. Review status: criteria provided, single submitter. Criteria: Invitae Variant Classification Sherloc (09022015). Collection method: clinical testing. Allele origin: germline.
Comment: This sequence change replaces arginine, which is basic and polar, with serine, which is neutral and polar, at codon 527 of the DBR1 protein (p.Arg527Ser). This variant is present in population databases (rs201982495, gnomAD 0.03%). This variant has not been reported in the literature in individuals affected with DBR1-related conditions. Algorithms developed to predict the effect of missense changes on protein structure and function are either unavailable or do not agree on the potential impact of this missense change (SIFT: "Deleterious"; PolyPhen-2: "Probably Damaging"; Align-GVGD: "Class C0"). In summary, the available evidence is currently insufficient to determine the role of this variant in disease. Therefore, it has been classified as a Variant of Uncertain Significance.

NM_016216.4(DBR1):c.1581G>T (p.Arg527Ser)

Gene: DBR1 (debranching RNA lariats 1; minus strand). Cytogenetic location: 3q22.3.
Variant type: single nucleotide variant.
Coding change: c.1581G>T on transcript NM_016216.4 (MANE Select); coding-DNA position 1581, G replaced by T.
Protein change: p.Arg527Ser; replaces arginine 527 with serine.
Molecular consequence: missense variant.
Genome position (GRCh38, 1-based): chr3:138,161,943, C>A on the plus strand (G>T on the coding strand, the complement: DBR1 is on the minus strand). VCF-style: chr3-138161943-C-A. GRCh37 (hg19) VCF-style: chr3-137880785-C-A.
Other names: c.1581G>T (NM_016216.3); short protein forms R527S.
Identifiers: ClinVar variation 2201668 (VCV002201668.4), dbSNP rs201982495, ClinGen allele CA2635645.